The following is an entry in ClinVar:

ClinVar aggregate classification (germline): Likely benign. Review status: criteria provided, multiple submitters, no conflicts (2 of 4 stars). 4 submissions from 4 submitters: Likely benign (2). 2 of the submissions do not count toward it. Last evaluated 2025-03-18.

Conditions:
Dilated cardiomyopathy 1G (CMD1G). Identifiers: Orphanet 154, MedGen C1858763, MONDO:0011400, OMIM 604145.
Autosomal recessive limb-girdle muscular dystrophy type 2J (LGMDR10). Also called: Limb-girdle muscular dystrophy, type 2J; MUSCULAR DYSTROPHY, LIMB-GIRDLE, AUTOSOMAL RECESSIVE 10. Identifiers: Orphanet 140922, MedGen C1837342, MONDO:0012127, OMIM 608807.

Allele frequency attached by ClinVar (database versions not stated): gnomAD exomes below 0.00001; gnomAD 0.00001.
gnomAD v4.1: 8 of 1,613,984 alleles (0.0005%); highest among the groups gnomAD compares: Non-Finnish European, 0.00068%; no homozygotes.

Submissions (4):

Mayo Clinic Laboratories, Mayo Clinic
Classification: Likely benign. Last evaluated: 2025-03-18. Review status: criteria provided, single submitter. Criteria: ACMG Guidelines, 2015. Collection method: clinical testing. Allele origin: germline. Observed: 1 variant allele.
Comment: BP4, BP7

Labcorp Genetics (formerly Invitae), Labcorp
Classification: Likely benign for Dilated cardiomyopathy 1G; Autosomal recessive limb-girdle muscular dystrophy type 2J. Last evaluated: 2024-07-30. Review status: criteria provided, single submitter. Criteria: Invitae Variant Classification Sherloc (09022015). Collection method: clinical testing. Allele origin: germline.

Clinical Genetics, Academic Medical Center
Classification: Benign. Review status: no assertion criteria provided. Collection method: clinical testing. Allele origin: germline. Affected: yes. Study: VKGL Data-share Consensus. Not counted in ClinVar's aggregate classification.

Joint Genome Diagnostic Labs from Nijmegen and Maastricht, Radboudumc and MUMC+
Classification: Likely benign. Review status: no assertion criteria provided. Collection method: clinical testing. Allele origin: germline. Affected: yes. Study: VKGL Data-share Consensus. Not counted in ClinVar's aggregate classification.

NM_001267550.2(TTN):c.2880C>T (p.Val960=)

Gene: TTN (titin; minus strand). Cytogenetic location: 2q31.2.
Variant type: single nucleotide variant.
Coding change: c.2880C>T on transcript NM_001267550.2 (MANE Select); coding-DNA position 2880, C replaced by T.
Protein change: p.Val960=; no amino-acid change (valine 960 retained).
Molecular consequence: synonymous variant.
Genome position (GRCh38, 1-based): chr2:178,783,026, G>A on the plus strand (C>T on the coding strand, the complement: TTN is on the minus strand). VCF-style: chr2-178783026-G-A. GRCh37 (hg19) VCF-style: chr2-179647753-G-A.
Other names: p.Val960=; c.2880C>T, p.Val960= (NM_001256850.1, NM_133378.4, NM_133379.5); c.2742C>T, p.Val914= (NM_003319.4, NM_133432.3, NM_133437.4).
Identifiers: ClinVar variation 1087144 (VCV001087144.13), dbSNP rs1561366469, ClinGen allele CA430283033.